The following is an entry in ClinVar:

ClinVar aggregate classification (germline): Likely pathogenic. Review status: criteria provided, single submitter (1 of 4 stars). 2 submissions from 2 submitters: Likely pathogenic (1). 1 of the submissions does not count toward it. Last evaluated 2019-08-22.

Conditions:
Ehlers-Danlos syndrome, type 4 (EDSVASC). Also called: Ehlers-Danlos syndrome vascular type; Ehlers Danlos syndrome, ecchymotic type; Ehlers Danlos syndrome, arterial type; Ehlers Danlos syndrome, Sack-Barabas type; Ehlers-Danlos Syndrome Type IV. Identifiers: Orphanet 286, MedGen C0268338, MONDO:0017314, OMIM 130050.

Submissions (2):

Labcorp Genetics (formerly Invitae), Labcorp
Classification: Likely pathogenic for Ehlers-Danlos syndrome, type 4. Last evaluated: 2019-08-22. Review status: criteria provided, single submitter. Criteria: Invitae Variant Classification Sherloc (09022015). Collection method: clinical testing. Allele origin: germline.
Comment: In summary, the currently available evidence indicates that the variant is pathogenic, but additional data are needed to prove that conclusively. Therefore, this variant has been classified as Likely Pathogenic. Glycine residues within the Gly-Xaa-Yaa repeats of the triple helix domain are required for the structure and stability of fibrillar collagens (PMID: 7695699, 8218237, 19344236). In COL3A1, variants that affect these glycine residues are significantly enriched in individuals with disease (PMID: 24922459, 25758994) compared to the general population (ExAC). This variant has been observed in an individual affected with vasculat Ehlers-Danlos syndrome (PMID: 24922459). ClinVar contains an entry for this variant (Variation ID: 101364). This variant is not present in population databases (ExAC no frequency). This sequence change replaces glycine with glutamic acid at codon 309 of the COL3A1 protein (p.Gly309Glu). The glycine residue is highly conserved and there is a moderate physicochemical difference between glycine and glutamic acid.

Collagen Diagnostic Laboratory, University of Washington
Classification: Pathogenic for Ehlers-Danlos syndrome, type 4. Review status: no assertion criteria provided. Collection method: clinical testing. Allele origin: germline. Affected: yes. Not counted in ClinVar's aggregate classification.

Literature cited by the submitters: PubMed 7695699 (cited by Labcorp Genetics (formerly Invitae), Labcorp); PubMed 8218237 (cited by Labcorp Genetics (formerly Invitae), Labcorp); PubMed 19344236 (cited by Labcorp Genetics (formerly Invitae), Labcorp); PubMed 24922459 (cited by Labcorp Genetics (formerly Invitae), Labcorp); PubMed 25758994 (cited by Labcorp Genetics (formerly Invitae), Labcorp).

NM_000090.4(COL3A1):c.926G>A (p.Gly309Glu)

Gene: COL3A1 (collagen type III alpha 1 chain; plus strand). Cytogenetic location: 2q32.2.
Variant type: single nucleotide variant.
Coding change: c.926G>A on transcript NM_000090.4 (MANE Select); coding-DNA position 926, G replaced by A.
Protein change: p.Gly309Glu; replaces glycine 309 with glutamic acid.
Molecular consequence: missense variant.
Genome position (GRCh38, 1-based): chr2:188,991,697, G>A. VCF-style: chr2-188991697-G-A. GRCh37 (hg19) VCF-style: chr2-189856423-G-A.
Identifiers: ClinVar variation 101364 (VCV000101364.12), dbSNP rs113871730, ClinGen allele CA007592.